The following is an entry in ClinVar:

ClinVar aggregate classification (germline): Uncertain significance (1 of 4 stars; one submission).

Conditions:
Hereditary cancer-predisposing syndrome. Also called: Tumor predisposition; Hereditary neoplastic syndrome; Hereditary Cancer Syndrome; Neoplastic Syndromes, Hereditary. Identifiers: Orphanet 140162, MedGen C0027672, MeSH D009386, MONDO:0015356.

Submission:

Ambry Genetics
Classification: Uncertain significance for Hereditary cancer-predisposing syndrome. Last evaluated: 2026-06-08. Review status: criteria provided, single submitter. Criteria: Ambry Variant Classification Scheme 2023. Collection method: clinical testing. Allele origin: germline.
Comment: The p.S2761P variant (also known as c.8281T>C), located in coding exon 56 of the ATM gene, results from a T to C substitution at nucleotide position 8281. The serine at codon 2761 is replaced by proline, an amino acid with similar properties. In an assay testing ATM function, this variant showed a functionally abnormal result (Lee KS et al. Cell, 2025 Sep;188:5081-5099.e27). This amino acid position is highly conserved in available vertebrate species. In addition, this alteration is predicted to be deleterious by in silico analysis. Based on the available evidence, the clinical significance of this variant remains unclear.

Literature cited by the submitters: PubMed 40580951.

NM_000051.4(ATM):c.8281T>C (p.Ser2761Pro)

Genes: ATM (ATM serine/threonine kinase; plus strand), C11orf65 (chromosome 11 open reading frame 65; minus strand). Cytogenetic location: 11q22.3.
Variant type: single nucleotide variant.
Coding change: c.8281T>C on transcript NM_000051.4 (MANE Select); coding-DNA position 8281, T replaced by C.
Protein change: p.Ser2761Pro; replaces serine 2761 with proline.
Molecular consequence: missense variant. On other transcripts: intron variant (2).
Genome position (GRCh38, 1-based): chr11:108,343,234, T>C. VCF-style: chr11-108343234-T-C. GRCh37 (hg19) VCF-style: chr11-108213961-T-C.
Other names: c.8281T>C, p.Ser2761Pro (NM_001351834.2); c.641-34163A>G (NM_001330368.2); c.695-7942A>G (NM_001351110.2); short protein forms S2761P.
Identifiers: ClinVar variation 4867090 (VCV004867090.1).